The following is an entry in ClinVar:

ClinVar aggregate classification (germline): Uncertain significance (1 of 4 stars; one submission).

Submission:

Labcorp Genetics (formerly Invitae), Labcorp
Classification: Uncertain significance. Last evaluated: 2026-01-26. Review status: criteria provided, single submitter. Criteria: Invitae Variant Classification Sherloc (09022015). Collection method: clinical testing. Allele origin: germline.
Comment: This sequence change replaces alanine, which is neutral and non-polar, with valine, which is neutral and non-polar, at codon 1083 of the RTTN protein (p.Ala1083Val). This variant is not present in population databases (gnomAD no frequency). This variant has not been reported in the literature in individuals affected with RTTN-related conditions. ClinVar contains an entry for this variant (Variation ID: 2134688). Invitae Evidence Modeling of protein sequence and biophysical properties (such as structural, functional, and spatial information, amino acid conservation, physicochemical variation, residue mobility, and thermodynamic stability) indicates that this missense variant is not expected to disrupt RTTN protein function with a negative predictive value of 80%. In summary, the available evidence is currently insufficient to determine the role of this variant in disease. Therefore, it has been classified as a Variant of Uncertain Significance.

NM_173630.4(RTTN):c.3248C>T (p.Ala1083Val)

Gene: RTTN (rotatin; minus strand). Cytogenetic location: 18q22.2.
Variant type: single nucleotide variant.
Coding change: c.3248C>T on transcript NM_173630.4 (MANE Select); coding-DNA position 3248, C replaced by T.
Protein change: p.Ala1083Val; replaces alanine 1083 with valine.
Molecular consequence: missense variant.
Genome position (GRCh38, 1-based): chr18:70,127,637, G>A on the plus strand (C>T on the coding strand, the complement: RTTN is on the minus strand). VCF-style: chr18-70127637-G-A. GRCh37 (hg19) VCF-style: chr18-67794873-G-A.
Other names: c.512C>T, p.Ala171Val (NM_001318520.2); short protein forms A171V, A1083V.
Identifiers: ClinVar variation 2134688 (VCV002134688.4), dbSNP rs2512505095, ClinGen allele CA402693600.